The following is an entry in ClinVar:

ClinVar aggregate classification (germline): Uncertain significance. Review status: criteria provided, multiple submitters, no conflicts (2 of 4 stars). 2 submissions from 2 submitters: Uncertain significance (2). Last evaluated 2025-08-31.

Conditions:
TNC-related disorder. Also called: TNC-related condition.

Allele frequency attached by ClinVar (database versions not stated): ExAC 0.00003; gnomAD 0.00006; ESP Exome Variant Server 0.00023.
gnomAD v4.1: 231 of 1,613,654 alleles (0.014%); highest among the groups gnomAD compares: Non-Finnish European, 0.019%; no homozygotes.

Submissions (2):

PreventionGenetics, part of Exact Sciences
Classification: Uncertain significance for TNC-related condition. Last evaluated: 2025-08-31. Review status: criteria provided, single submitter. Criteria: ACMG Guidelines, 2015. Collection method: clinical testing. Allele origin: germline.
Comment: The TNC c.1618G>C variant is predicted to result in the amino acid substitution p.Gly540Arg. To our knowledge, this variant has not been reported in the literature. This variant is reported in 0.0085% of alleles in individuals of European (Non-Finnish) descent in gnomAD. At this time, the clinical significance of this variant is uncertain due to the absence of conclusive functional and genetic evidence.

Ambry Genetics
Classification: Uncertain significance. Last evaluated: 2025-02-28. Review status: criteria provided, single submitter. Criteria: Ambry Variant Classification Scheme 2023. Collection method: clinical testing. Allele origin: germline.

NM_002160.4(TNC):c.1618G>C (p.Gly540Arg)

Gene: TNC (tenascin C; minus strand). Cytogenetic location: 9q33.1.
Variant type: single nucleotide variant.
Coding change: c.1618G>C on transcript NM_002160.4 (MANE Select); coding-DNA position 1618, G replaced by C.
Protein change: p.Gly540Arg; replaces glycine 540 with arginine.
Molecular consequence: missense variant.
Genome position (GRCh38, 1-based): chr9:115,086,113, C>G on the plus strand (G>C on the coding strand, the complement: TNC is on the minus strand). VCF-style: chr9-115086113-C-G. GRCh37 (hg19) VCF-style: chr9-117848392-C-G.
Other names: c.1618G>C, p.Gly540Arg (NM_001410991.1); short protein forms G540R.
Identifiers: ClinVar variation 2460056 (VCV002460056.4), dbSNP rs144406273, ClinGen allele CA5208767.
Genomic context (GRCh38, chr9:115,086,113, plus strand): 5'-CCTTGCAGTCTTTGCCCATAAATCCTTCATGGCACACGCACTGCCCATTCACACAGCGAC[C>G]CTGGCCATGGCAGTCATTTGGACAGGAGAGTTCTGCACAGTCAGGGCCGGTGAAGCCGTC-3'
Protein context (NP_002151.2, residues 530-550): LSCPNDCHGQ[Gly540Arg]RCVNGQCVCH